The following is an entry in ClinVar:

ClinVar aggregate classification (germline): Uncertain significance (1 of 4 stars; one submission).

Conditions:
3-methylglutaconic aciduria with deafness, encephalopathy, and Leigh-like syndrome (MEGDEL). Also called: 3-METHYLGLUTACONIC ACIDURIA, TYPE VI; SERAC1 Deficiency; MEGDEL syndrome. Identifiers: Orphanet 352328, MedGen C4040739, MONDO:0013875, OMIM 614739.

Allele frequency attached by ClinVar (database versions not stated): ExAC 0.00001; gnomAD exomes 0.00001; TOPMed 0.00001.
gnomAD v4.1: 5 of 1,610,920 alleles (0.00031%); highest among the groups gnomAD compares: African/African-American, 0.0013%; no homozygotes.

Submission:

Labcorp Genetics (formerly Invitae), Labcorp
Classification: Uncertain significance for 3-methylglutaconic aciduria with deafness, encephalopathy, and Leigh-like syndrome. Last evaluated: 2025-01-27. Review status: criteria provided, single submitter. Criteria: Invitae Variant Classification Sherloc (09022015). Collection method: clinical testing. Allele origin: germline.
Comment: This sequence change replaces arginine, which is basic and polar, with cysteine, which is neutral and slightly polar, at codon 639 of the SERAC1 protein (p.Arg639Cys). This variant is present in population databases (rs575982148, gnomAD 0.007%). This variant has not been reported in the literature in individuals affected with SERAC1-related conditions. ClinVar contains an entry for this variant (Variation ID: 1395622). Invitae Evidence Modeling of protein sequence and biophysical properties (such as structural, functional, and spatial information, amino acid conservation, physicochemical variation, residue mobility, and thermodynamic stability) indicates that this missense variant is not expected to disrupt SERAC1 protein function with a negative predictive value of 80%. In summary, the available evidence is currently insufficient to determine the role of this variant in disease. Therefore, it has been classified as a Variant of Uncertain Significance.

NM_032861.4(SERAC1):c.1915C>T (p.Arg639Cys)

Gene: SERAC1 (serine active site containing 1; minus strand). Cytogenetic location: 6q25.3.
Variant type: single nucleotide variant.
Coding change: c.1915C>T on transcript NM_032861.4 (MANE Select); coding-DNA position 1915, C replaced by T.
Protein change: p.Arg639Cys; replaces arginine 639 with cysteine.
Molecular consequence: missense variant.
Genome position (GRCh38, 1-based): chr6:158,111,416, G>A on the plus strand (C>T on the coding strand, the complement: SERAC1 is on the minus strand). VCF-style: chr6-158111416-G-A. GRCh37 (hg19) VCF-style: chr6-158532448-G-A.
Other names: short protein forms R639C.
Identifiers: ClinVar variation 1395622 (VCV001395622.8), dbSNP rs575982148, ClinGen allele CA4070907.